The following is an entry in ClinVar:

NM_001105206.3(LAMA4):c.1949G>A (p.Arg650Gln)

Gene: LAMA4 (laminin subunit alpha 4; minus strand). Cytogenetic location: 6q21.
Variant type: single nucleotide variant.
Coding change: c.1949G>A on transcript NM_001105206.3 (MANE Select); coding-DNA position 1949, G replaced by A.
Protein change: p.Arg650Gln; replaces arginine 650 with glutamine.
Molecular consequence: missense variant.
Genome position (GRCh38, 1-based): chr6:112,155,575, C>T on the plus strand (G>A on the coding strand, the complement: LAMA4 is on the minus strand). VCF-style: chr6-112155575-C-T. GRCh37 (hg19) VCF-style: chr6-112476777-C-T.
Other names: c.1928G>A, p.Arg643Gln (NM_001105207.3, NM_002290.5); short protein forms R643Q, R650Q.
Identifiers: ClinVar variation 1782805 (VCV001782805.6), dbSNP rs781940035, ClinGen allele CA3965633.

ClinVar aggregate classification (germline): Uncertain significance. Review status: criteria provided, multiple submitters, no conflicts (2 of 4 stars). 2 submissions from 2 submitters: Uncertain significance (2). Last evaluated 2025-02-27.

Conditions:
Cardiovascular phenotype. Identifiers: MedGen CN230736.
Dilated cardiomyopathy 1JJ (CMD1JJ). Identifiers: Orphanet 154, MedGen C3808935, MONDO:0014095, OMIM 615235.

Allele frequency attached by ClinVar (database versions not stated): gnomAD 0.00001; ExAC 0.00002; gnomAD exomes 0.00001; TOPMed 0.00001.
gnomAD v4.1: 12 of 1,614,016 alleles (0.00074%); highest among the groups gnomAD compares: East Asian, 0.0089%; no homozygotes.

Submissions (2):

Labcorp Genetics (formerly Invitae), Labcorp
Classification: Uncertain significance for Dilated cardiomyopathy 1JJ. Last evaluated: 2025-02-27. Review status: criteria provided, single submitter. Criteria: Invitae Variant Classification Sherloc (09022015). Collection method: clinical testing. Allele origin: germline.
Comment: This sequence change replaces arginine, which is basic and polar, with glutamine, which is neutral and polar, at codon 643 of the LAMA4 protein (p.Arg643Gln). This variant is present in population databases (rs781940035, gnomAD 0.02%). This variant has not been reported in the literature in individuals affected with LAMA4-related conditions. ClinVar contains an entry for this variant (Variation ID: 1782805). Invitae Evidence Modeling of protein sequence and biophysical properties (such as structural, functional, and spatial information, amino acid conservation, physicochemical variation, residue mobility, and thermodynamic stability) indicates that this missense variant is not expected to disrupt LAMA4 protein function with a negative predictive value of 80%. In summary, the available evidence is currently insufficient to determine the role of this variant in disease. Therefore, it has been classified as a Variant of Uncertain Significance.

Ambry Genetics
Classification: Uncertain significance for Cardiovascular phenotype. Last evaluated: 2024-04-05. Review status: criteria provided, single submitter. Criteria: Ambry Variant Classification Scheme 2023. Collection method: clinical testing. Allele origin: germline.
Comment: The p.R643Q variant (also known as c.1928G>A), located in coding exon 14 of the LAMA4 gene, results from a G to A substitution at nucleotide position 1928. The arginine at codon 643 is replaced by glutamine, an amino acid with highly similar properties. This amino acid position is highly conserved in available vertebrate species; however, glutamine is the reference amino acid in other vertebrate species. In addition, this alteration is predicted to be tolerated by in silico analysis. Since supporting evidence is limited at this time, the clinical significance of this alteration remains unclear.